The following is an entry in ClinVar:

NM_080425.4(GNAS):c.1343A>C (p.Asp448Ala)

Gene: GNAS (GNAS complex locus; plus strand). Cytogenetic location: 20q13.32.
Variant type: single nucleotide variant.
Coding change: c.1343A>C on transcript NM_080425.4 (MANE Plus Clinical); coding-DNA position 1343, A replaced by C.
Protein change: p.Asp448Ala; replaces aspartic acid 448 with alanine.
Molecular consequence: missense variant. On other transcripts: intron variant (3), genic upstream transcript variant (1).
Genome position (GRCh38, 1-based): chr20:58,854,608, A>C. VCF-style: chr20-58854608-A-C. GRCh37 (hg19) VCF-style: chr20-57429663-A-C.
Other names: c.1156A>C, p.Thr386Pro (NM_001077490.3, NM_001309883.1); c.1343A>C, p.Asp448Ala (NM_001410913.1); c.*42+13722A>C (NM_016592.5); c.43+13722A>C (NM_001410912.1); c.-39+12733A>C (NM_001309861.2); c.-37119A>C (NM_000516.7); short protein forms D448A, T386P.
Identifiers: ClinVar variation 1206083 (VCV001206083.12), dbSNP rs776846313, ClinGen allele CA9926679.
Genomic context (GRCh38, chr20:58,854,608, plus strand): 5'-ATCCCGACTCCGGGGCAGCCCCTGCCGCCCCAGCCGATCCCGACTCCGGGGCGGCCCCTG[A>C]CGCCCCAGCCGATCCCGACTCCGGGGCGGCCCCTGACGCCCCAGCCGATCCAGATGCCGG-3'
Protein context (NP_536350.2, residues 438-458): PADPDSGAAP[Asp448Ala]APADPDSGAA

ClinVar aggregate classification (germline): Conflicting classifications of pathogenicity. Review status: criteria provided, conflicting classifications (1 of 4 stars). 6 submissions from 6 submitters: Uncertain significance (1); Likely benign (3). 2 of the submissions do not count toward it. Last evaluated 2025-10-13.

Conditions:
Inborn genetic diseases. Identifiers: MedGen C0950123, MeSH D030342.
GNAS-related disorder. Identifiers: MedGen CN380105.

Allele frequency attached by ClinVar (database versions not stated): gnomAD exomes 0.00007; ExAC 0.00008; gnomAD 0.00018.
gnomAD v4.1: 66 of 1,510,670 alleles (0.0044%); highest among the groups gnomAD compares: Admixed American, 0.035%; no homozygotes.

Submissions (6):

Women's Health and Genetics/Laboratory Corporation of America, LabCorp
Classification: Uncertain significance. Last evaluated: 2025-10-13. Review status: criteria provided, single submitter. Criteria: LabCorp Variant Classification Summary - May 2015. Collection method: clinical testing. Allele origin: germline.
Comment: Variant summary: GNAS c.-37119A>C is located in the untranscribed region upstream of the GNAS gene region. The variant allele was found at a frequency of 7e-05 in 128770 control chromosomes (gnomAD). The available data on variant occurrences in the general population are insufficient to allow any conclusion about variant significance. To our knowledge, no occurrence of c.-37119A>C in individuals affected with GNAS-related conditions and no experimental evidence demonstrating its impact on protein function have been reported. ClinVar contains an entry for this variant (Variation ID: 1206083). Based on the evidence outlined above, the variant was classified as uncertain significance.

PreventionGenetics, part of Exact Sciences
Classification: Likely benign for GNAS-related condition. Last evaluated: 2025-07-21. Review status: criteria provided, single submitter. Criteria: ACMG Guidelines, 2015. Collection method: clinical testing. Allele origin: germline.
Comment: This variant is classified as likely benign based on ACMG/AMP sequence variant interpretation guidelines (Richards et al. 2015 PMID: 25741868, with internal and published modifications).

Ambry Genetics
Classification: Likely benign for Inborn genetic diseases. Last evaluated: 2021-11-24. Review status: criteria provided, single submitter. Criteria: Ambry Variant Classification Scheme 2023. Collection method: clinical testing. Allele origin: germline.

Breakthrough Genomics
Classification: Likely benign. Review status: criteria provided, single submitter. Criteria: ACMG Guidelines, 2015. Collection method: not provided. Allele origin: germline. Inheritance: Autosomal dominant inheritance. Affected: yes.

Clinical Genetics, Academic Medical Center
Classification: Likely benign. Review status: no assertion criteria provided. Collection method: clinical testing. Allele origin: germline. Affected: yes. Study: VKGL Data-share Consensus. Not counted in ClinVar's aggregate classification.

Laboratory of Diagnostic Genome Analysis, Leiden University Medical Center (LUMC)
Classification: Likely benign. Review status: no assertion criteria provided. Collection method: clinical testing. Allele origin: germline. Affected: yes. Study: VKGL Data-share Consensus. Not counted in ClinVar's aggregate classification.